The following is an entry in ClinVar:

ClinVar aggregate classification (germline): Uncertain significance. Review status: criteria provided, multiple submitters, no conflicts (2 of 4 stars). 2 submissions from 2 submitters: Uncertain significance (2). Last evaluated 2025-03-19.

Conditions:
Heterotopia, periventricular, X-linked dominant (PVNH1). Also called: PERIVENTRICULAR NODULAR HETEROTOPIA 4; HETEROTOPIA, PERIVENTRICULAR, 1; PERIVENTRICULAR NODULAR HETEROTOPIA 1; X-linked periventricular heterotopia. Identifiers: Orphanet 2149, Orphanet 82004, MedGen C1848213, MONDO:0010233, OMIM 300049.
Melnick-Needles syndrome (MNS). Also called: Melnick-Needles Syndrome (FLNA-MNS); MELNICK-NEEDLES OSTEODYSPLASTY; OSTEODYSPLASTY OF MELNICK AND NEEDLES. Identifiers: Orphanet 2484, MedGen C0025237, MONDO:0010650, OMIM 309350.
Frontometaphyseal dysplasia (FMD1). Identifiers: Orphanet 1826, MedGen C0265293, MONDO:0015942.
Oto-palato-digital syndrome, type II (OPD2). Also called: Otopalatodigital Syndrome Type 2 (FLNA-OPD2); Otopalatodigital Syndrome, Type II; FACIOPALATOOSSEOUS SYNDROME; OPD II SYNDROME. Identifiers: Orphanet 669, Orphanet 90652, MedGen C1844696, MONDO:0010571, OMIM 304120.

Allele frequency attached by ClinVar (database versions not stated): TOPMed below 0.00001; gnomAD 0.00002.

Submissions (2):

Labcorp Genetics (formerly Invitae), Labcorp
Classification: Uncertain significance for Oto-palato-digital syndrome, type II; Heterotopia, periventricular, X-linked dominant; Frontometaphyseal dysplasia; Melnick-Needles syndrome. Last evaluated: 2025-03-19. Review status: criteria provided, single submitter. Criteria: Invitae Variant Classification Sherloc (09022015). Collection method: clinical testing. Allele origin: germline.
Comment: This sequence change replaces arginine, which is basic and polar, with histidine, which is basic and polar, at codon 828 of the FLNA protein (p.Arg828His). This variant is not present in population databases (gnomAD no frequency). This variant has not been reported in the literature in individuals affected with FLNA-related conditions. ClinVar contains an entry for this variant (Variation ID: 567520). Invitae Evidence Modeling of protein sequence and biophysical properties (such as structural, functional, and spatial information, amino acid conservation, physicochemical variation, residue mobility, and thermodynamic stability) indicates that this missense variant is not expected to disrupt FLNA protein function with a negative predictive value of 95%. In summary, the available evidence is currently insufficient to determine the role of this variant in disease. Therefore, it has been classified as a Variant of Uncertain Significance.

Women's Health and Genetics/Laboratory Corporation of America, LabCorp
Classification: Uncertain significance. Last evaluated: 2024-08-17. Review status: criteria provided, single submitter. Criteria: LabCorp Variant Classification Summary - May 2015. Collection method: clinical testing. Allele origin: germline.

NM_001110556.2(FLNA):c.2483G>A (p.Arg828His)

Gene: FLNA (filamin A; minus strand). Cytogenetic location: Xq28.
Variant type: single nucleotide variant.
Coding change: c.2483G>A on transcript NM_001110556.2 (MANE Select); coding-DNA position 2483, G replaced by A.
Protein change: p.Arg828His; replaces arginine 828 with histidine.
Molecular consequence: missense variant.
Genome position (GRCh38, 1-based): chrX:154,362,500, C>T on the plus strand (G>A on the coding strand, the complement: FLNA is on the minus strand). VCF-style: chrX-154362500-C-T. GRCh37 (hg19) VCF-style: chrX-153590868-C-T.
Other names: c.2483G>A, p.Arg828His (NM_001456.4); short protein forms R828H.
Identifiers: ClinVar variation 567520 (VCV000567520.8), dbSNP rs1347740802, ClinGen allele CA415236389.